The following is an entry in ClinVar:

ClinVar aggregate classification (germline): Likely pathogenic. Review status: reviewed by expert panel (3 of 4 stars). 2 submissions from 2 submitters: Likely pathogenic (1). 1 of the submissions does not count toward it. Last evaluated 2025-04-11.

Conditions:
Arginine:glycine amidinotransferase deficiency (CCDS3). Also called: Creatine deficiency syndrome due to AGAT deficiency; GATM deficiency; L-Arginine:Glycine Amidinotransferase (AGAT) Deficiency; L-Arginine:Glycine Amidinotransferase Deficiency; Cerebral creatine deficiency syndrome 3; AGAT deficiency. Identifiers: Orphanet 35704, MedGen C2675179, MONDO:0012996, OMIM 612718.

Submissions (2):

ClinGen Cerebral Creatine Deficiency Syndromes Variant Curation Expert Panel, ClinGen
Classification: Likely pathogenic for Arginine:glycine amidinotransferase deficiency. Last evaluated: 2025-04-11. Review status: reviewed by expert panel. Criteria: ClinGen CCDS ACMG Specifications GATM V2.0.0. Collection method: curation. Allele origin: germline. Inheritance: Autosomal recessive inheritance.
Comment: The NM_001482.3:c.959del (p.Pro320LeufsTer41) variant in GATM is a frameshift variant predicted to cause a premature stop codon in biologically relevant exon 6 out of a total of 9 exons leading to nonsense mediated decay in a gene in which loss-of-function is an established disease mechanism (PVS1). To our knowledge, this variant has not been reported in the literature in any individuals with AGAT deficiency. This variant is absent in gnomAD v4.1.0. (PM2_Supporting). There is a ClinVar entry for this variant (Variation ID: 955458). The classification of this variant has been upgraded from Variant of Uncertain Significance to Likely Pathogenic based on the recommendations of the ClinGen Sequence Variant Interpretation Working Group, that a variant meeting PVS1 and PM2_Supporting is classified as Likely Pathogenic. In summary, this variant meets the criteria to be classified as likely pathogenic for AGAT deficiency based on the ACMG/AMP criteria applied, as specified by the ClinGen Cerebral Creatine Deficiency Syndromes Variant Curation Expert Panel (Specifications Version 1.1.0): PVS1, PM2_Supporting. (Classification approved by the ClinGen CCDS VCEP on April 11, 2025).

Labcorp Genetics (formerly Invitae), Labcorp
Classification: Pathogenic for Arginine:glycine amidinotransferase deficiency. Last evaluated: 2019-11-07. Review status: criteria provided, single submitter. Criteria: Invitae Variant Classification Sherloc (09022015). Collection method: clinical testing. Allele origin: germline. Not counted in ClinVar's aggregate classification.
Comment: This variant has not been reported in the literature in individuals with GATM-related conditions. This sequence change creates a premature translational stop signal (p.Pro320Leufs*41) in the GATM gene. It is expected to result in an absent or disrupted protein product. This variant is not present in population databases (ExAC no frequency). Loss-of-function variants in GATM are known to be pathogenic (PMID: 11555793). For these reasons, this variant has been classified as Pathogenic.

Literature cited by the submitters: PubMed 11555793 (cited by Labcorp Genetics (formerly Invitae), Labcorp).

NM_001482.3(GATM):c.959del (p.Pro320fs)

Gene: GATM (glycine amidinotransferase; minus strand). Cytogenetic location: 15q21.1.
Variant type: Deletion.
Coding change: c.959del on transcript NM_001482.3 (MANE Select); coding-DNA position 959, one base deleted (C; older notation c.959delC).
Protein change: p.Pro320fs; shifts the reading frame from proline 320.
Molecular consequence: frameshift variant.
Genome position (GRCh38, 1-based): chr15:45,366,065, G deleted on the plus strand (C on the coding strand, the reverse complement: GATM is on the minus strand); the first of 3 consecutive G bases (chr15:45,366,065-45,366,067); deleting any one gives the same sequence. VCF-style (leftmost placement, unchanged base first): chr15-45366064-AG-A. GRCh37 (hg19) VCF-style: chr15-45658262-AG-A.
Other names: NM_001482.3(GATM):c.959del; p.Pro320fs; c.572del, p.Pro191fs (NM_001321015.2); short protein forms P320fs, P191fs.
Identifiers: ClinVar variation 955458 (VCV000955458.10), dbSNP rs1889443484, ClinGen allele CA1139663873.
Genomic context (GRCh38, chr15:45,366,064, plus strand): 5'-CTAGATTCTGTTGCTTTTCCAGAGTCCCAAGAAATCTCTTACCTGGTGACATGGTCGGTC[AG>A]GGTTGGAAAGCACAATACCAGGTCCAATGATGTTGAAGGTAGCATCAATATGCATGGGAT-3'